The following is an entry in ClinVar:

GRCh37/hg19 9q31.1(chr9:103059178-103060312)

Gene: INVS (inversin; plus strand). Cytogenetic location: 9q31.1.
Variant type: copy number loss.
Identifiers: ClinVar variation 1179160 (VCV001179160.2).

ClinVar aggregate classification (germline): Pathogenic (0 of 4 stars; one submission).

Conditions:
Infantile nephronophthisis (NPHP2). Also called: Nephronophthisis 2; Nephronophthisis 2, infantile. Identifiers: Orphanet 655, Orphanet 93591, MedGen C1865872, MONDO:0011190, OMIM 602088.

Submission:

Fulgent Genetics
Classification: Pathogenic for Infantile nephronophthisis. Review status: no assertion criteria provided. Collection method: clinical testing. Allele origin: unknown.
Comment: This variant has been detected in individual(s) who were sent for testing of Renasight - kidney gene panel.